The following is an entry in ClinVar:

NM_001643.2(APOA2):c.53-43TG[11]

Gene: APOA2 (apolipoprotein A2; minus strand). Cytogenetic location: 1q23.3.
Variant type: Microsatellite.
Coding change: c.53-43TG[11] on transcript NM_001643.2 (MANE Select); 11 copies in a row of the 2-base unit TG starting at c.53-43; the reference has 19 copies in a row; eight copies, 16 bases deleted.
Molecular consequence: intron variant.
Genome position (GRCh38, 1-based): chr1:161,223,056-161,223,071, CACACACACACACACA deleted on the plus strand (TGTGTGTGTGTGTGTG on the coding strand, the reverse complement: APOA2 is on the minus strand); deleting any 16 consecutive bases within chr1:161,223,056-161,223,094 gives the same sequence; the position shown is the placement nearest the transcript's 3' end. VCF-style (leftmost placement, unchanged base first): chr1-161223055-CCACACACACACACACA-C. GRCh37 (hg19) VCF-style: chr1-161192845-CCACACACACACACACA-C.
Identifiers: ClinVar variation 3046168 (VCV003046168.2), dbSNP rs17244502, ClinGen allele CA890192657.

ClinVar aggregate classification (germline): Likely benign (0 of 4 stars; one submission).

Conditions:
APOA2-related disorder. Also called: APOA2-related condition.

Submission:

PreventionGenetics, part of Exact Sciences
Classification: Likely benign for APOA2-related condition. Last evaluated: 2019-10-28. Review status: no assertion criteria provided. Collection method: clinical testing. Allele origin: germline.
Comment: This variant is classified as likely benign based on ACMG/AMP sequence variant interpretation guidelines (Richards et al. 2015 PMID: 25741868, with internal and published modifications).